The following is an entry in ClinVar:

NM_000417.3(IL2RA):c.711A>G (p.Thr237=)

Gene: IL2RA (interleukin 2 receptor subunit alpha; minus strand). Cytogenetic location: 10p15.1.
Variant type: single nucleotide variant.
Coding change: c.711A>G on transcript NM_000417.3 (MANE Select); coding-DNA position 711, A replaced by G.
Protein change: p.Thr237=; no amino-acid change (threonine 237 retained).
Molecular consequence: synonymous variant.
Genome position (GRCh38, 1-based): chr10:6,019,444, T>C on the plus strand (A>G on the coding strand, the complement: IL2RA is on the minus strand). VCF-style: chr10-6019444-T-C. GRCh37 (hg19) VCF-style: chr10-6061407-T-C.
Other names: c.495A>G, p.Thr165= (NM_001308242.2); c.423A>G, p.Thr141= (NM_001308243.2).
Identifiers: ClinVar variation 282000 (VCV000282000.29), dbSNP rs11256354, ClinGen allele CA5397343.
Genomic context (GRCh38, chr10:6,019,444, plus strand): 5'-CAGCCTGGTGTACATTTTGTCCACAAAGCCAGTGCCCCACTCACCTGCTACCTGGTACTC[T>C]GTTGTAAATATGGACGTCTCCATGGTTGCAGCCATTTCTGTCTGTATTTGAAAATCTGTG-3'
Protein context (NP_000408.1, residues 227-247): AATMETSIFT[Thr237=]EYQVAVAGCV

ClinVar aggregate classification (germline): Benign/Likely benign. Review status: criteria provided, multiple submitters, no conflicts (2 of 4 stars). 6 submissions from 6 submitters: Benign (3); Likely benign (1). 2 of the submissions do not count toward it. Last evaluated 2026-02-02.

Conditions:
Immunodeficiency due to CD25 deficiency. Also called: CD25 DEFICIENCY; IL2RA DEFICIENCY; IMMUNODEFICIENCY 41 WITH LYMPHOPROLIFERATION AND AUTOIMMUNITY. Identifiers: Orphanet 169100, MedGen C1853392, MONDO:0011664, OMIM 606367.

Allele frequency attached by ClinVar (database versions not stated): ESP Exome Variant Server 0.00008; gnomAD 0.00053 and 0.00076; TOPMed 0.00062; ExAC 0.00130; 1000 Genomes Project 30x 0.00468; 1000 Genomes Project 0.00479.
gnomAD v4.1: 673 of 1,612,908 alleles (0.042%); highest among the groups gnomAD compares: East Asian, 0.98%; 6 homozygotes.

Submissions (6):

Labcorp Genetics (formerly Invitae), Labcorp
Classification: Benign for Immunodeficiency due to CD25 deficiency. Last evaluated: 2026-02-02. Review status: criteria provided, single submitter. Criteria: Invitae Variant Classification Sherloc (09022015). Collection method: clinical testing. Allele origin: germline.

CeGaT Center for Human Genetics Tuebingen
Classification: Likely benign. Last evaluated: 2025-08-01. Review status: criteria provided, single submitter. Criteria: CeGaT Center For Human Genetics Tuebingen Variant Classification Criteria Version 2. Collection method: clinical testing. Allele origin: germline. Affected: yes. Observed: 1 variant allele.
Comment: IL2RA: BP4, BP7

Illumina Laboratory Services, Illumina
Classification: Benign for Immunodeficiency due to CD25 deficiency. Last evaluated: 2018-01-13. Review status: criteria provided, single submitter. Criteria: ICSL Variant Classification Criteria 13 December 2019. Collection method: clinical testing. Allele origin: germline.
Comment: This variant was observed in the ICSL laboratory as part of a predisposition screen in an ostensibly healthy population. It had not been previously curated by ICSL or reported in the Human Gene Mutation Database (HGMD: prior to June 1st, 2018), and was therefore a candidate for classification through an automated scoring system. Utilizing variant allele frequency, disease prevalence and penetrance estimates, and inheritance mode, an automated score was calculated to assess if this variant is too frequent to cause the disease. Based on the score and internal cut-off values, a variant classified as benign is not then subjected to further curation. The score for this variant resulted in a classification of benign for this disease.

Eurofins Ntd Llc (ga)
Classification: Benign. Last evaluated: 2015-07-27. Review status: criteria provided, single submitter. Criteria: EGL Classification Definitions 2015. Collection method: clinical testing. Allele origin: germline. Observed: 1 variant allele, 1 heterozygote.

Clinical Genetics DNA and cytogenetics Diagnostics Lab, Erasmus MC, Erasmus Medical Center
Classification: Likely benign. Review status: no assertion criteria provided. Collection method: clinical testing. Allele origin: germline. Affected: yes. Study: VKGL Data-share Consensus. Not counted in ClinVar's aggregate classification.

Genome Diagnostics Laboratory, University Medical Center Utrecht
Classification: Likely benign. Review status: no assertion criteria provided. Collection method: clinical testing. Allele origin: germline. Affected: yes. Study: VKGL Data-share Consensus. Not counted in ClinVar's aggregate classification.